The following is an entry in ClinVar:

NM_153006.3(NAGS):c.64C>T (p.Arg22Trp)

Gene: NAGS (N-acetylglutamate synthase; plus strand). Cytogenetic location: 17q21.31.
Variant type: single nucleotide variant.
Coding change: c.64C>T on transcript NM_153006.3 (MANE Select); coding-DNA position 64, C replaced by T.
Protein change: p.Arg22Trp; replaces arginine 22 with tryptophan.
Molecular consequence: missense variant.
Genome position (GRCh38, 1-based): chr17:44,004,727, C>T. VCF-style: chr17-44004727-C-T. GRCh37 (hg19) VCF-style: chr17-42082095-C-T.
Other names: c.64C>T (NM_153006.2); short protein forms R22W.
Identifiers: ClinVar variation 1381157 (VCV001381157.6), dbSNP rs756973889, ClinGen allele CA290903026.

ClinVar aggregate classification (germline): Uncertain significance. Review status: criteria provided, multiple submitters, no conflicts (2 of 4 stars). 2 submissions from 2 submitters: Uncertain significance (2). Last evaluated 2025-08-13.

Conditions:
Inborn genetic diseases. Identifiers: MedGen C0950123, MeSH D030342.
Hyperammonemia, type III (NAGSD). Also called: Hyperammonemia due to N-acetylglutamate synthase deficiency. Identifiers: Orphanet 927, MedGen C0268543, MONDO:0009377, OMIM 237310.

Submissions (2):

Ambry Genetics
Classification: Uncertain significance for Inborn genetic diseases. Last evaluated: 2025-08-13. Review status: criteria provided, single submitter. Criteria: Ambry Variant Classification Scheme 2023. Collection method: clinical testing. Allele origin: germline.

Labcorp Genetics (formerly Invitae), Labcorp
Classification: Uncertain significance for Hyperammonemia, type III. Last evaluated: 2024-10-28. Review status: criteria provided, single submitter. Criteria: Invitae Variant Classification Sherloc (09022015). Collection method: clinical testing. Allele origin: germline.
Comment: This sequence change replaces arginine, which is basic and polar, with tryptophan, which is neutral and slightly polar, at codon 22 of the NAGS protein (p.Arg22Trp). The frequency data for this variant in the population databases is considered unreliable, as metrics indicate poor data quality at this position in the gnomAD database. This variant has not been reported in the literature in individuals affected with NAGS-related conditions. ClinVar contains an entry for this variant (Variation ID: 1381157). An algorithm developed to predict the effect of missense changes on protein structure and function (PolyPhen-2) suggests that this variant¬†is likely to be tolerated. In summary, the available evidence is currently insufficient to determine the role of this variant in disease. Therefore, it has been classified as a Variant of Uncertain Significance.